The following is an entry in ClinVar:

ClinVar aggregate classification (germline): Conflicting classifications of pathogenicity. Review status: criteria provided, conflicting classifications (1 of 4 stars). 7 submissions from 7 submitters: Uncertain significance (5); Likely benign (2). Last evaluated 2025-11-09.

Conditions:
Cardiovascular phenotype. Identifiers: MedGen CN230736.
Catecholaminergic polymorphic ventricular tachycardia (CVPT). Also called: Catecholamine-induced polymorphic ventricular tachycardia. Identifiers: Orphanet 3286, MedGen C5574922, MONDO:0017990.
Cardiomyopathy (CMYO). Also called: Cardiomyopathies. Identifiers: Orphanet 167848, MedGen C0878544, MONDO:0004994, HP:0001638. Inheritance: Various modes of inheritance.
Catecholaminergic polymorphic ventricular tachycardia 1. Also called: VENTRICULAR TACHYCARDIA, CATECHOLAMINERGIC POLYMORPHIC, 1, WITH OR WITHOUT ATRIAL DYSFUNCTION AND/OR DILATED CARDIOMYOPATHY; VENTRICULAR TACHYCARDIA, STRESS-INDUCED POLYMORPHIC 1; RYR2-Related Catecholaminergic Polymorphic Ventricular Tachycardia. Identifiers: Orphanet 3286, MedGen C1631597, MONDO:0011484, OMIM 604772.
Arrhythmogenic right ventricular dysplasia 2. Identifiers: MedGen C1832931.

Allele frequency attached by ClinVar (database versions not stated): gnomAD 0.00003; ExAC 0.00004; TOPMed 0.00004.
gnomAD v4.1: 51 of 1,585,658 alleles (0.0032%); highest among the groups gnomAD compares: Non-Finnish European, 0.0044%; no homozygotes.

Submissions (7):

Labcorp Genetics (formerly Invitae), Labcorp
Classification: Uncertain significance for Catecholaminergic polymorphic ventricular tachycardia 1. Last evaluated: 2025-11-09. Review status: criteria provided, single submitter. Criteria: Invitae Variant Classification Sherloc (09022015). Collection method: clinical testing. Allele origin: germline.
Comment: This sequence change replaces glutamine, which is neutral and polar, with histidine, which is basic and polar, at codon 2754 of the RYR2 protein (p.Gln2754His). The frequency data for this variant in the population databases is considered unreliable, as metrics indicate poor data quality at this position in the gnomAD database. This variant has not been reported in the literature in individuals affected with RYR2-related conditions. ClinVar contains an entry for this variant (Variation ID: 201390). Invitae Evidence Modeling of protein sequence and biophysical properties (such as structural, functional, and spatial information, amino acid conservation, physicochemical variation, residue mobility, and thermodynamic stability) indicates that this missense variant is not expected to disrupt RYR2 protein function with a negative predictive value of 95%. In summary, the available evidence is currently insufficient to determine the role of this variant in disease. Therefore, it has been classified as a Variant of Uncertain Significance.

Color Diagnostics, LLC DBA Color Health
Classification: Uncertain significance for Cardiomyopathy. Last evaluated: 2025-08-14. Review status: criteria provided, single submitter. Criteria: ACMG Guidelines, 2015. Collection method: clinical testing. Allele origin: germline.
Comment: This missense variant replaces glutamine with histidine at codon 2754 of the RYR2 protein. Computational prediction suggests that this variant may not impact protein structure and function. To our knowledge, functional studies have not been reported for this variant. This variant has been reported in an individual suspected of having catecholaminergic polymorphic ventricular tachycardia (PMID: 29453246). This variant has been identified in 9/258936 chromosomes in the general population by the Genome Aggregation Database (gnomAD). The available evidence is insufficient to determine the role of this variant in disease conclusively. Therefore, this variant is classified as a Variant of Uncertain Significance.

Ambry Genetics
Classification: Likely benign for Cardiovascular phenotype. Last evaluated: 2025-05-19. Review status: criteria provided, single submitter. Criteria: Ambry Variant Classification Scheme 2023. Collection method: clinical testing. Allele origin: germline.

All of Us Research Program, National Institutes of Health
Classification: Uncertain significance for Catecholaminergic polymorphic ventricular tachycardia. Last evaluated: 2024-07-29. Review status: criteria provided, single submitter. Criteria: ACMG Guidelines, 2015. Collection method: clinical testing. Allele origin: germline. Inheritance: Autosomal dominant inheritance. Observed: 7 variant alleles, 7 heterozygotes.
Comment: This missense variant replaces glutamine with histidine at codon 2754 of the RYR2 protein. Computational prediction suggests that this variant may not impact protein structure and function (internally defined REVEL score threshold <= 0.5, PMID: 27666373). To our knowledge, functional studies have not been reported for this variant. This variant has been reported in an individual suspected of having catecholaminergic polymorphic ventricular tachycardia (PMID: 29453246). This variant has been identified in 9/258936 chromosomes in the general population by the Genome Aggregation Database (gnomAD). The available evidence is insufficient to determine the role of this variant in disease conclusively. Therefore, this variant is classified as a Variant of Uncertain Significance.

This study involves interpretation of variants in research participants for the purpose of population health screening. Participant phenotype was not available at the time of variant classification. Additional details can be found in publication PMID: 35346344, PMCID: PMC8962531

Blueprint Genetics
Classification: Likely benign. Last evaluated: 2020-12-22. Review status: criteria provided, single submitter. Criteria: ACMG Guidelines, 2015. Collection method: clinical testing. Allele origin: germline.

Baylor Genetics
Classification: Uncertain significance for Catecholaminergic polymorphic ventricular tachycardia 1. Last evaluated: 2018-03-30. Review status: criteria provided, single submitter. Criteria: ACMG Guidelines, 2015. Collection method: clinical testing. Allele origin: paternal. Affected: yes.
Comment: This variant was determined to be of uncertain significance according to ACMG Guidelines, 2015 [PMID:25741868].

GeneDx
Classification: Uncertain significance. Last evaluated: 2014-10-02. Review status: criteria provided, single submitter. Criteria: GeneDx Variant Classification (06012015). Collection method: clinical testing. Allele origin: germline. Affected: yes.
Comment: p.Gln2754His (CAG>CAC): c.8262 G>C in exon 55 of the RYR2 gene (NM_001035.2). The Q2754H variant has not been published as a mutation, nor has it been reported as a benign polymorphism to our knowledge. The Q2754H variant was not observed in approximately 5,800 individuals of European and African American ancestry in the NHLBI Exome Sequencing Project, indicating it is not a common benign variant in these populations. The Q2754H variant is a semi-conservative amino acid substitution, which may impact secondary protein structure as these residues differ in some properties. This substitution occurs at a position that is conserved within mammals. However, in silico analysis predicts this variant likely does not alter the protein structure/function. Missense mutations in nearby residues have not been reported, indicating this region of the protein may tolerate change. This variant does not reside in one of the three mutational hot spots in the RYR2 gene (Medeiros-Domingo et al., 2009). Therefore, based on the currently available information, it is unclear whether this variant is a pathogenic mutation or a rare benign variant. The variant is found in ARRHYTHMIA panel(s).

Literature cited by the submitters: PubMed 29453246 (cited by 3 submitters); PubMed 28404607 (cited by Ambry Genetics).

NM_001035.3(RYR2):c.8262G>C (p.Gln2754His)

Gene: RYR2 (ryanodine receptor 2; plus strand). Cytogenetic location: 1q43.
Variant type: single nucleotide variant.
Coding change: c.8262G>C on transcript NM_001035.3 (MANE Select); coding-DNA position 8262, G replaced by C.
Protein change: p.Gln2754His; replaces glutamine 2754 with histidine.
Molecular consequence: missense variant.
Genome position (GRCh38, 1-based): chr1:237,660,038, G>C. VCF-style: chr1-237660038-G-C. GRCh37 (hg19) VCF-style: chr1-237823338-G-C.
Other names: p.Q2754H:CAG>CAC; c.8262G>C, p.Gln2754His (LRG_402t1); short protein forms Q2754H.
Identifiers: ClinVar variation 201390 (VCV000201390.23), dbSNP rs773748242, ClinGen allele CA010917.
Genomic context (GRCh38, chr1:237,660,038, plus strand): 5'-TTTTAAGTTGGCAAATGGATGGATTTATGGAGAAATATATTCAGACTCTTCTAAGGTTCA[G>C]CCATTAATGAAGCCATATAAGCTATTGTCTGAAAAGGTAAGGATTTTTTGTTTGTTTTAG-3'
Protein context (NP_001026.2, residues 2744-2764): GEIYSDSSKV[Gln2754His]PLMKPYKLLS